The following is an entry in ClinVar:

NM_004393.6(DAG1):c.463G>A (p.Glu155Lys)

Gene: DAG1 (dystroglycan 1; plus strand). Cytogenetic location: 3p21.31.
Variant type: single nucleotide variant.
Coding change: c.463G>A on transcript NM_004393.6 (MANE Select); coding-DNA position 463, G replaced by A.
Protein change: p.Glu155Lys; replaces glutamic acid 155 with lysine.
Molecular consequence: missense variant.
Genome position (GRCh38, 1-based): chr3:49,530,974, G>A. VCF-style: chr3-49530974-G-A. GRCh37 (hg19) VCF-style: chr3-49568407-G-A.
Other names: c.463G>A, p.Glu155Lys (NM_001165928.4, NM_001177634.3, NM_001177635.3 and 9 more transcripts); c.463G>A (NM_004393.4); short protein forms E155K.
Identifiers: ClinVar variation 2935799 (VCV002935799.3), dbSNP rs749461367, ClinGen allele CA2398911.
Genomic context (GRCh38, chr3:49,530,974, plus strand): 5'-GCTACACGGCTGGGGGCCAACGGGAGCCACATCCCCCAGACCTCCAGTGTGTTCTCCATC[G>A]AGGTCTACCCTGAAGACCACAGTGAGCTGCAGTCGGTGAGGACAGCCTCCCCAGACCCTG-3'
Protein context (NP_004384.5, residues 145-165): IPQTSSVFSI[Glu155Lys]VYPEDHSELQ

ClinVar aggregate classification (germline): Uncertain significance. Review status: criteria provided, multiple submitters, no conflicts (2 of 4 stars). 3 submissions from 3 submitters: Uncertain significance (3). Last evaluated 2025-04-13.

Conditions:
Muscular dystrophy-dystroglycanopathy (congenital with brain and eye anomalies), type A9. Also called: WALKER-WARBURG SYNDROME OR MUSCLE-EYE BRAIN DISEASE, DAG1-RELATED; Muscular dystrophy-dystroglycanopathy (congenital with brain and eye anomalies), type a, 9. Identifiers: Orphanet 370997, Orphanet 899, MedGen C4225291, MONDO:0014683, OMIM 616538.
Autosomal recessive limb-girdle muscular dystrophy type 2P. Also called: Limb-Girdle Muscular Dystrophy Type 9C; MUSCULAR DYSTROPHY, LIMB-GIRDLE, TYPE 2P; MUSCULAR DYSTROPHY-DYSTROGLYCANOPATHY, LIMB-GIRDLE, DAG1-RELATED. Identifiers: Orphanet 280333, MedGen C4511963, MONDO:0013440, OMIM 613818.
Inborn genetic diseases. Identifiers: MedGen C0950123, MeSH D030342.

Allele frequency attached by ClinVar (database versions not stated): gnomAD 0.00001; ExAC 0.00003; gnomAD exomes 0.00001; TOPMed 0.00001.
gnomAD v4.1: 17 of 1,614,014 alleles (0.0011%); highest among the groups gnomAD compares: South Asian, 0.013%; 1 homozygote.

Submissions (3):

Ambry Genetics
Classification: Uncertain significance for Inborn genetic diseases. Last evaluated: 2025-04-13. Review status: criteria provided, single submitter. Criteria: Ambry Variant Classification Scheme 2023. Collection method: clinical testing. Allele origin: germline.

Revvity Omics, Revvity
Classification: Uncertain significance. Last evaluated: 2024-11-12. Review status: criteria provided, single submitter. Criteria: ACMG Guidelines, 2015. Collection method: clinical testing. Allele origin: germline.

Labcorp Genetics (formerly Invitae), Labcorp
Classification: Uncertain significance for Autosomal recessive limb-girdle muscular dystrophy type 2P; Muscular dystrophy-dystroglycanopathy (congenital with brain and eye anomalies), type A9. Last evaluated: 2022-11-02. Review status: criteria provided, single submitter. Criteria: Invitae Variant Classification Sherloc (09022015). Collection method: clinical testing. Allele origin: germline.
Comment: In summary, the available evidence is currently insufficient to determine the role of this variant in disease. Therefore, it has been classified as a Variant of Uncertain Significance. Advanced modeling of protein sequence and biophysical properties (such as structural, functional, and spatial information, amino acid conservation, physicochemical variation, residue mobility, and thermodynamic stability) performed at Invitae indicates that this missense variant is not expected to disrupt DAG1 protein function. This variant has not been reported in the literature in individuals affected with DAG1-related conditions. This variant is present in population databases (rs749461367, gnomAD 0.01%). This sequence change replaces glutamic acid, which is acidic and polar, with lysine, which is basic and polar, at codon 155 of the DAG1 protein (p.Glu155Lys).